The following is an entry in ClinVar:

NM_014633.5(CTR9):c.2635G>T (p.Ala879Ser)

Gene: CTR9 (CTR9 component of Paf1/RNA polymerase II complex; plus strand). Cytogenetic location: 11p15.4.
Variant type: single nucleotide variant.
Coding change: c.2635G>T on transcript NM_014633.5 (MANE Select); coding-DNA position 2635, G replaced by T.
Protein change: p.Ala879Ser; replaces alanine 879 with serine.
Molecular consequence: missense variant.
Genome position (GRCh38, 1-based): chr11:10,773,181, G>T. VCF-style: chr11-10773181-G-T. GRCh37 (hg19) VCF-style: chr11-10794728-G-T.
Other names: c.2563G>T, p.Ala855Ser (NM_001346279.2); short protein forms A855S, A879S.
Identifiers: ClinVar variation 3709600 (VCV003709600.2).
Genomic context (GRCh38, chr11:10,773,181, plus strand): 5'-TCATAGGAAGAGAAACGTCTCAGAGAAAAGGAAGAGCAAAAGAAACTTTTGGAACAGCGG[G>T]CCCAGTATGTGGAGAAGACCAAAAATATTCTTATGTTTACTGGTGAGACTGAAGCAACAA-3'
Protein context (NP_055448.1, residues 869-889): EEQKKLLEQR[Ala879Ser]QYVEKTKNIL

ClinVar aggregate classification (germline): Uncertain significance (1 of 4 stars; one submission).

gnomAD v4.1: 1 of 1,612,740 alleles (0.000062%); highest among the groups gnomAD compares: South Asian, 0.0011%; no homozygotes.

Submission:

Labcorp Genetics (formerly Invitae), Labcorp
Classification: Uncertain significance. Last evaluated: 2025-05-12. Review status: criteria provided, single submitter. Criteria: Invitae Variant Classification Sherloc (09022015). Collection method: clinical testing. Allele origin: germline.
Comment: This sequence change replaces alanine, which is neutral and non-polar, with serine, which is neutral and polar, at codon 879 of the CTR9 protein (p.Ala879Ser). The frequency data for this variant in the population databases is considered unreliable, as metrics indicate poor data quality at this position in the gnomAD database. This variant has not been reported in the literature in individuals affected with CTR9-related conditions. ClinVar contains an entry for this variant (Variation ID: 3709600). An algorithm developed to predict the effect of missense changes on protein structure and function (PolyPhen-2) suggests that this variant is likely to be tolerated. In summary, the available evidence is currently insufficient to determine the role of this variant in disease. Therefore, it has been classified as a Variant of Uncertain Significance.